The following is an entry in ClinVar:

NM_024312.5(GNPTAB):c.3663del (p.Met1221fs)

Gene: GNPTAB (N-acetylglucosamine-1-phosphate transferase subunits alpha and beta; minus strand). Cytogenetic location: 12q23.2.
Variant type: Deletion.
Coding change: c.3663del on transcript NM_024312.5 (MANE Select); coding-DNA position 3663, one base deleted (G; older notation c.3663delG).
Protein change: p.Met1221fs; shifts the reading frame from methionine 1221.
Molecular consequence: frameshift variant.
Genome position (GRCh38, 1-based): chr12:101,749,131, C deleted on the plus strand (G on the coding strand, the reverse complement: GNPTAB is on the minus strand). VCF-style (leftmost placement, unchanged base first): chr12-101749130-AC-A. GRCh37 (hg19) VCF-style: chr12-102142908-AC-A.
Other names: short protein forms M1221fs.
Identifiers: ClinVar variation 997888 (VCV000997888.1), dbSNP rs1952778845, ClinGen allele CA481316933.

ClinVar aggregate classification (germline): Likely pathogenic (1 of 4 stars; one submission).

Conditions:
Mucolipidosis. Also called: Mucolipidoses. Identifiers: Orphanet 79212, MedGen C0026697, MONDO:0019248.

Submission:

Women's Health and Genetics/Laboratory Corporation of America, LabCorp
Classification: Likely pathogenic for Mucolipidosis. Last evaluated: 2021-02-22. Review status: criteria provided, single submitter. Criteria: LabCorp Variant Classification Summary - May 2015. Collection method: clinical testing. Allele origin: germline.
Comment: Variant summary: GNPTAB c.3663delG (p.Met1221IlefsX12) results in a premature termination codon, predicted to cause a truncation of the encoded protein or absence of the protein due to nonsense mediated decay, which are commonly known mechanisms for disease. The variant was absent in 251296 control chromosomes. c.3663delG has been reported in the literature in at least one individual affected with Mucolipidosis (e.g. Lin_2012). To our knowledge, no experimental evidence demonstrating an impact on protein function has been reported. No clinical diagnostic laboratories have submitted clinical-significance assessments for this variant to ClinVar after 2014. Based on the evidence outlined above, the variant was classified as likely pathogenic.

Literature cited by the submitters: PubMed 22570975.